The following is an entry in ClinVar:

NM_005219.5(DIAPH1):c.3003C>G (p.Ile1001Met)

Gene: DIAPH1 (diaphanous related formin 1; minus strand). Cytogenetic location: 5q31.3.
Variant type: single nucleotide variant.
Coding change: c.3003C>G on transcript NM_005219.5 (MANE Select); coding-DNA position 3003, C replaced by G.
Protein change: p.Ile1001Met; replaces isoleucine 1001 with methionine.
Molecular consequence: missense variant.
Genome position (GRCh38, 1-based): chr5:141,528,717, G>C on the plus strand (C>G on the coding strand, the complement: DIAPH1 is on the minus strand). VCF-style: chr5-141528717-G-C. GRCh37 (hg19) VCF-style: chr5-140908284-G-C.
Other names: c.2976C>G, p.Ile992Met (NM_001079812.3); c.3003C>G, p.Ile1001Met (NM_001314007.2); short protein forms I992M, I1001M.
Identifiers: ClinVar variation 475705 (VCV000475705.5), dbSNP rs1554201371, ClinGen allele CA361583801.

ClinVar aggregate classification (germline): Uncertain significance (1 of 4 stars; one submission).

Conditions:
Progressive microcephaly-seizures-cortical blindness-developmental delay syndrome. Also called: Seizures, cortical blindness, and microcephaly syndrome. Identifiers: Orphanet 477814, MedGen C5567650, MONDO:0014714, OMIM 616632.
Autosomal dominant nonsyndromic hearing loss 1. Also called: KONIGSMARK SYNDROME; DEAFNESS, AUTOSOMAL DOMINANT 1, WITH OR WITHOUT THROMBOCYTOPENIA. Identifiers: Orphanet 90635, MedGen C1852282, MONDO:0007424, OMIM 124900.

Allele frequency attached by ClinVar (database versions not stated): gnomAD exomes below 0.00001; TOPMed below 0.00001.
gnomAD v4.1: 1 of 1,614,220 alleles (0.000062%); highest among the groups gnomAD compares: South Asian, 0.0011%; no homozygotes.

Submission:

Labcorp Genetics (formerly Invitae), Labcorp
Classification: Uncertain significance for Progressive microcephaly-seizures-cortical blindness-developmental delay syndrome; Autosomal dominant nonsyndromic hearing loss 1. Last evaluated: 2022-06-13. Review status: criteria provided, single submitter. Criteria: Invitae Variant Classification Sherloc (09022015). Collection method: clinical testing. Allele origin: germline.
Comment: ClinVar contains an entry for this variant (Variation ID: 475705). In summary, the available evidence is currently insufficient to determine the role of this variant in disease. Therefore, it has been classified as a Variant of Uncertain Significance. Algorithms developed to predict the effect of missense changes on protein structure and function are either unavailable or do not agree on the potential impact of this missense change (SIFT: "Deleterious"; PolyPhen-2: "Probably Damaging"; Align-GVGD: "Class C0"). This variant has not been reported in the literature in individuals affected with DIAPH1-related conditions. This variant is not present in population databases (gnomAD no frequency). This sequence change replaces isoleucine, which is neutral and non-polar, with methionine, which is neutral and non-polar, at codon 1001 of the DIAPH1 protein (p.Ile1001Met).